The following is an entry in ClinVar:

ClinVar aggregate classification (germline): Benign. Review status: criteria provided, multiple submitters, no conflicts (2 of 4 stars). 14 submissions from 14 submitters: Benign (10). 4 of the submissions do not count toward it. Last evaluated 2026-02-04.

Conditions:
Cardiovascular phenotype. Identifiers: MedGen CN230736.
Hypertrophic cardiomyopathy 14. Identifiers: MedGen C2750467, MONDO:0013197, OMIM 613251.

Allele frequency attached by ClinVar (database versions not stated): gnomAD exomes 0.33685 and 0.35947; ExAC 0.34610; 1000 Genomes Project 0.37480; 1000 Genomes Project 30x 0.37523; TOPMed 0.43334; gnomAD 0.44074 and 0.44987; ESP Exome Variant Server 0.45564.
gnomAD v4.1: 589,141 of 1,604,286 alleles (37%); highest among the groups gnomAD compares: African/African-American, 64%; 113,514 homozygotes.

Submissions (14):

Labcorp Genetics (formerly Invitae), Labcorp
Classification: Benign for Hypertrophic cardiomyopathy 14. Last evaluated: 2026-02-04. Review status: criteria provided, single submitter. Criteria: Invitae Variant Classification Sherloc (09022015). Collection method: clinical testing. Allele origin: germline.

ARUP Laboratories, Molecular Genetics and Genomics, ARUP Laboratories
Classification: Benign. Last evaluated: 2025-07-28. Review status: criteria provided, single submitter. Criteria: ARUP Molecular Germline Variant Investigation Process 2024. Collection method: clinical testing. Allele origin: germline.

Blueprint Genetics
Classification: Benign. Last evaluated: 2024-11-27. Review status: criteria provided, single submitter. Criteria: ACMG Guidelines, 2015. Collection method: clinical testing. Allele origin: germline.

Molecular Diagnostic Laboratory for Inherited Cardiovascular Disease, Montreal Heart Institute
Classification: Benign. Last evaluated: 2016-05-13. Review status: criteria provided, single submitter. Criteria: ACMG Guidelines, 2015. Collection method: clinical testing. Allele origin: germline. Affected: yes.

Ambry Genetics
Classification: Benign for Cardiovascular phenotype. Last evaluated: 2015-06-16. Review status: criteria provided, single submitter. Criteria: Ambry Variant Classification Scheme 2023. Collection method: clinical testing. Allele origin: germline.

GeneDx
Classification: Benign. Last evaluated: 2015-03-03. Review status: criteria provided, single submitter. Criteria: GeneDx Variant Classification Process June 2021. Collection method: clinical testing. Allele origin: germline. Affected: yes.
Comment: This variant is associated with the following publications: (PMID: 20062063, 20639392)

Biesecker Lab/Clinical Genomics Section, National Institutes of Health
Classification: Benign. Last evaluated: 2013-06-24. Review status: criteria provided, single submitter. Criteria: Ng et al. (Circ Cardiovasc Genet. 2013). Collection method: research. Allele origin: unknown. Observed: 526 variant alleles. Study: ClinSeq.
Comment: The study set was not selected for affection status in relation to any cancer. Pathogenicity categories were based on literature curation. See Pubmed ID:23861362 for details.

Medical sequencing

Laboratory for Molecular Medicine, Mass General Brigham Personalized Medicine
Classification: Benign. Last evaluated: 2011-09-27. Review status: criteria provided, single submitter. Criteria: LMM Criteria. Collection method: clinical testing. Allele origin: germline. Observed: 1,102 variant alleles.

Breakthrough Genomics
Classification: Benign. Review status: criteria provided, single submitter. Criteria: ACMG Guidelines, 2015. Collection method: not provided. Allele origin: germline. Inheritance: Autosomal dominant inheritance. Affected: yes.

PreventionGenetics, part of Exact Sciences
Classification: Benign. Review status: criteria provided, single submitter. Criteria: ACMG Guidelines, 2015. Collection method: clinical testing. Allele origin: germline.

Clinical Genetics DNA and cytogenetics Diagnostics Lab, Erasmus MC, Erasmus Medical Center
Classification: Benign. Review status: no assertion criteria provided. Collection method: clinical testing. Allele origin: germline. Affected: yes. Study: VKGL Data-share Consensus. Not counted in ClinVar's aggregate classification.

Clinical Genetics, Academic Medical Center
Classification: Benign. Review status: no assertion criteria provided. Collection method: clinical testing. Allele origin: germline. Affected: yes. Study: VKGL Data-share Consensus. Not counted in ClinVar's aggregate classification.

Diagnostic Laboratory, Department of Genetics, University Medical Center Groningen
Classification: Benign. Review status: no assertion criteria provided. Collection method: clinical testing. Allele origin: germline. Affected: yes. Study: VKGL Data-share Consensus. Not counted in ClinVar's aggregate classification.

Joint Genome Diagnostic Labs from Nijmegen and Maastricht, Radboudumc and MUMC+
Classification: Benign. Review status: no assertion criteria provided. Collection method: clinical testing. Allele origin: germline. Affected: yes. Study: VKGL Data-share Consensus. Not counted in ClinVar's aggregate classification.

NM_002471.4(MYH6):c.3302T>C (p.Val1101Ala)

Gene: MYH6 (myosin heavy chain 6; minus strand). Cytogenetic location: 14q11.2.
Variant type: single nucleotide variant.
Coding change: c.3302T>C on transcript NM_002471.4 (MANE Select); coding-DNA position 3302, T replaced by C.
Protein change: p.Val1101Ala; replaces valine 1101 with alanine.
Molecular consequence: missense variant.
Genome position (GRCh38, 1-based): chr14:23,392,602, A>G on the plus strand (T>C on the coding strand, the complement: MYH6 is on the minus strand). VCF-style: chr14-23392602-A-G. GRCh37 (hg19) VCF-style: chr14-23861811-A-G.
Other names: short protein forms V1101A.
Identifiers: ClinVar variation 44480 (VCV000044480.46), dbSNP rs365990, ClinGen allele CA134322.
Genomic context (GRCh38, chr14:23,392,602, plus strand): 5'-GCACTGGGAAAAAAAGTCACCTGGTTTTCCTTCAGTTTCTTCTGTAGTTGAAGGGCCAGC[A>G]CCTGCTCATCCTCAATCTTACTGTTCTGCTGATTAATGTCAAACTCCTTCCTGCAGGAGA-3'
Protein context (NP_002462.2, residues 1091-1111): QQNSKIEDEQ[Val1101Ala]LALQLQKKLK